The following is an entry in ClinVar:

ClinVar aggregate classification (germline): Likely pathogenic (1 of 4 stars; one submission).

Conditions:
Methylcobalamin deficiency type cblG (HMAG). Also called: HOMOCYSTINURIA-MEGALOBLASTIC ANEMIA, cblG COMPLEMENTATION TYPE; HOMOCYSTINURIA-MEGALOBLASTIC ANEMIA DUE TO DEFECT IN COBALAMIN METABOLISM, cblG COMPLEMENTATION TYPE; HOMOCYSTINURIA-MEGALOBLASTIC ANEMIA, cblG TYPE; Functional methionine synthase deficiency type cblG. Identifiers: Orphanet 2170, Orphanet 622, MedGen C1855128, MONDO:0009609, OMIM 250940.

Submission:

Labcorp Genetics (formerly Invitae), Labcorp
Classification: Likely pathogenic for Methylcobalamin deficiency type cblG. Last evaluated: 2023-10-29. Review status: criteria provided, single submitter. Criteria: Invitae Variant Classification Sherloc (09022015). Collection method: clinical testing. Allele origin: germline.
Comment: This sequence change affects a donor splice site in intron 10 of the MTR gene. It is expected to disrupt RNA splicing. Variants that disrupt the donor or acceptor splice site typically lead to a loss of protein function (PMID: 16199547), and loss-of-function variants in MTR are known to be pathogenic (PMID: 9683607, 12068375). This variant is not present in population databases (gnomAD no frequency). This variant has not been reported in the literature in individuals affected with MTR-related conditions. Algorithms developed to predict the effect of sequence changes on RNA splicing suggest that this variant may disrupt the consensus splice site. In summary, the currently available evidence indicates that the variant is pathogenic, but additional data are needed to prove that conclusively. Therefore, this variant has been classified as Likely Pathogenic.

Literature cited by the submitters: PubMed 16199547; PubMed 9683607; PubMed 12068375.

NM_000254.3(MTR):c.927+1G>A

Gene: MTR (5-methyltetrahydrofolate-homocysteine methyltransferase; plus strand). Cytogenetic location: 1q43.
Variant type: single nucleotide variant.
Coding change: c.927+1G>A on transcript NM_000254.3 (MANE Select); the canonical splice donor site of the intron after coding-DNA position 927, G replaced by A.
Molecular consequence: splice donor variant.
Genome position (GRCh38, 1-based): chr1:236,825,400, G>A. VCF-style: chr1-236825400-G-A. GRCh37 (hg19) VCF-style: chr1-236988700-G-A.
Other names: c.927+1G>A (NM_001291939.1, NM_001410942.1); c.-182+1G>A (NM_001291940.2).
Identifiers: ClinVar variation 2836586 (VCV002836586.3), dbSNP rs1572218599, ClinGen allele CA345389794.